The following is an entry in ClinVar:

NM_177438.3(DICER1):c.2202del (p.Ser735fs)

Gene: DICER1 (dicer 1, ribonuclease III; minus strand). Cytogenetic location: 14q32.13.
Variant type: Deletion.
Coding change: c.2202del on transcript NM_177438.3 (MANE Select); coding-DNA position 2202, one base deleted (C; older notation c.2202delC).
Protein change: p.Ser735fs; shifts the reading frame from serine 735.
Molecular consequence: frameshift variant. On other transcripts: non-coding transcript variant (6).
Genome position (GRCh38, 1-based): chr14:95,111,371, G deleted on the plus strand (C on the coding strand, the reverse complement: DICER1 is on the minus strand); the first of 2 consecutive G bases (chr14:95,111,371-95,111,372); deleting either gives the same sequence. VCF-style (leftmost placement, unchanged base first): chr14-95111370-TG-T. GRCh37 (hg19) VCF-style: chr14-95577707-TG-T.
Other names: c.2202del, p.Ser735fs (NM_001195573.1, NM_001271282.3, NM_001291628.2 and 12 more transcripts); c.1920del, p.Ser641fs (NM_001395686.1); c.1797del, p.Ser600fs (NM_001395687.1, NM_001395688.1, NM_001395689.1 and 3 more transcripts); c.1635del, p.Ser546fs (NM_001395691.1); c.519del, p.Ser174fs (NM_001395697.1); short protein forms S600fs, S641fs, S546fs, S735fs, S174fs.
Identifiers: ClinVar variation 3657712 (VCV003657712.2).

ClinVar aggregate classification (germline): Pathogenic (1 of 4 stars; one submission).

Conditions:
DICER1-related tumor predisposition. Also called: DICER1-related pleuropulmonary blastoma cancer predisposition syndrome; DICER1 syndrome. Identifiers: Orphanet 284343, MedGen C3839822, MONDO:0100216.

Submission:

Labcorp Genetics (formerly Invitae), Labcorp
Classification: Pathogenic for DICER1-related tumor predisposition. Last evaluated: 2024-08-01. Review status: criteria provided, single submitter. Criteria: Invitae Variant Classification Sherloc (09022015). Collection method: clinical testing. Allele origin: germline.
Comment: This sequence change creates a premature translational stop signal (p.Ser735Valfs*23) in the DICER1 gene. It is expected to result in an absent or disrupted protein product. Loss-of-function variants in DICER1 are known to be pathogenic (PMID: 19556464, 21266384). This variant is not present in population databases (gnomAD no frequency). This variant has not been reported in the literature in individuals affected with DICER1-related conditions. For these reasons, this variant has been classified as Pathogenic.

Literature cited by the submitters: PubMed 19556464; PubMed 21266384.